The following is an entry in ClinVar:

ClinVar aggregate classification (germline): Uncertain significance (1 of 4 stars; one submission).

Submission:

GeneDx
Classification: Uncertain significance. Last evaluated: 2025-06-30. Review status: criteria provided, single submitter. Criteria: GeneDx Variant Classification Process June 2021. Collection method: clinical testing. Allele origin: germline. Affected: yes.
Comment: Has not been previously published as pathogenic or benign to our knowledge; Not observed at significant frequency in large population cohorts (gnomAD); In silico analysis suggests that this missense variant does not alter protein structure/function

NM_013275.6(ANKRD11):c.2602A>G (p.Met868Val)

Gene: ANKRD11 (ankyrin repeat domain 11; minus strand). Cytogenetic location: 16q24.3.
Variant type: single nucleotide variant.
Coding change: c.2602A>G on transcript NM_013275.6 (MANE Select); coding-DNA position 2602, A replaced by G.
Protein change: p.Met868Val; replaces methionine 868 with valine.
Molecular consequence: missense variant.
Genome position (GRCh38, 1-based): chr16:89,283,940, T>C on the plus strand (A>G on the coding strand, the complement: ANKRD11 is on the minus strand). VCF-style: chr16-89283940-T-C. GRCh37 (hg19) VCF-style: chr16-89350348-T-C.
Other names: c.2602A>G, p.Met868Val (NM_001256182.2, NM_001256183.2); short protein forms M868V.
Identifiers: ClinVar variation 4681072 (VCV004681072.1).